The following is an entry in ClinVar:

ClinVar aggregate classification (germline): Uncertain significance (1 of 4 stars; one submission).

gnomAD v4.1: 1 of 1,613,836 alleles (0.000062%); highest among the groups gnomAD compares: Non-Finnish European, 0.000085%; no homozygotes.

Submission:

Labcorp Genetics (formerly Invitae), Labcorp
Classification: Uncertain significance. Last evaluated: 2024-08-31. Review status: criteria provided, single submitter. Criteria: Invitae Variant Classification Sherloc (09022015). Collection method: clinical testing. Allele origin: germline.
Comment: This sequence change replaces phenylalanine, which is neutral and non-polar, with serine, which is neutral and polar, at codon 1320 of the CACNA1I protein (p.Phe1320Ser). This variant is present in population databases (no rsID available, gnomAD 0.0009%). This variant has not been reported in the literature in individuals affected with CACNA1I-related conditions. An algorithm developed to predict the effect of missense changes on protein structure and function (PolyPhen-2) suggests that this variant is likely to be disruptive. In summary, the available evidence is currently insufficient to determine the role of this variant in disease. Therefore, it has been classified as a Variant of Uncertain Significance.

NM_021096.4(CACNA1I):c.3959T>C (p.Phe1320Ser)

Gene: CACNA1I (calcium voltage-gated channel subunit alpha1 I; plus strand). Cytogenetic location: 22q13.1.
Variant type: single nucleotide variant.
Coding change: c.3959T>C on transcript NM_021096.4 (MANE Select); coding-DNA position 3959, T replaced by C.
Protein change: p.Phe1320Ser; replaces phenylalanine 1320 with serine.
Molecular consequence: missense variant.
Genome position (GRCh38, 1-based): chr22:39,665,605, T>C. VCF-style: chr22-39665605-T-C. GRCh37 (hg19) VCF-style: chr22-40061610-T-C.
Other names: c.3854T>C, p.Phe1285Ser (NM_001003406.2); short protein forms F1285S, F1320S.
Identifiers: ClinVar variation 3631013 (VCV003631013.2).